The following is an entry in ClinVar:

NM_001080467.3(MYO5B):c.3843+1del

Gene: MYO5B (myosin VB; minus strand). Cytogenetic location: 18q21.1.
Variant type: Deletion.
Coding change: c.3843+1del on transcript NM_001080467.3 (MANE Select); the canonical splice donor site of the intron after coding-DNA position 3843, one base deleted (G; older notation c.3843+1delG).
Molecular consequence: splice donor variant.
Genome position (GRCh38, 1-based): chr18:49,864,140, C deleted on the plus strand (G on the coding strand, the reverse complement: MYO5B is on the minus strand); the first of 2 consecutive C bases (chr18:49,864,140-49,864,141); deleting either gives the same sequence. VCF-style (leftmost placement, unchanged base first): chr18-49864139-AC-A. GRCh37 (hg19) VCF-style: chr18-47390509-AC-A.
Identifiers: ClinVar variation 3710801 (VCV003710801.2).
Genomic context (GRCh38, chr18:49,864,139, plus strand): 5'-ACACTAATCTACCACCTAGGGTCACCCCTCGGCAGCCCCACCGCGGGCCGCCATCTTGTT[AC>A]CGCGTTCCTGCCGGCGAGTCGCCGCTGGTCGGCGCTCACGATCTGGGTCCTGAGGATGAG-3'

ClinVar aggregate classification (germline): Pathogenic (1 of 4 stars; one submission).

Submission:

Labcorp Genetics (formerly Invitae), Labcorp
Classification: Pathogenic. Last evaluated: 2024-02-26. Review status: criteria provided, single submitter. Criteria: Invitae Variant Classification Sherloc (09022015). Collection method: clinical testing. Allele origin: germline.
Comment: This sequence change creates a premature translational stop signal (p.Glu1282Serfs*42) in the MYO5B gene. It is expected to result in an absent or disrupted protein product. Loss-of-function variants in MYO5B are known to be pathogenic (PMID: 18724368, 20186687). This variant is present in population databases (rs769773467, gnomAD 0.02%). This variant has not been reported in the literature in individuals affected with MYO5B-related conditions. This variant is also known as c.3843+1del. Algorithms developed to predict the effect of sequence changes on RNA splicing suggest that this variant may disrupt the consensus splice site. For these reasons, this variant has been classified as Pathogenic.

Literature cited by the submitters: PubMed 18724368; PubMed 20186687.